The following is an entry in ClinVar:

NM_000540.3(RYR1):c.12654C>T (p.Phe4218=)

Gene: RYR1 (ryanodine receptor 1; plus strand). Cytogenetic location: 19q13.2.
Variant type: single nucleotide variant.
Coding change: c.12654C>T on transcript NM_000540.3 (MANE Select); coding-DNA position 12654, C replaced by T.
Protein change: p.Phe4218=; no amino-acid change (phenylalanine 4218 retained).
Molecular consequence: synonymous variant.
Genome position (GRCh38, 1-based): chr19:38,564,988, C>T. VCF-style: chr19-38564988-C-T. GRCh37 (hg19) VCF-style: chr19-39055628-C-T.
Other names: c.12639C>T, p.Phe4213= (NM_001042723.2).
Identifiers: ClinVar variation 2173108 (VCV002173108.6), dbSNP rs1294294978, ClinGen allele CA507355390.

ClinVar aggregate classification (germline): Likely benign. Review status: criteria provided, multiple submitters, no conflicts (2 of 4 stars). 3 submissions from 3 submitters: Likely benign (3). Last evaluated 2023-11-30.

Conditions:
Malignant hyperthermia, susceptibility to, 1 (MHS1). Also called: Anesthesia related hyperthermia; Malignant hyperpyrexia; Fulminating hyperpyrexia; Pharmacogenic myopathy; Malignant hyperthermia suceptibility 1; RYR1-Related Malignant Hyperthermia Susceptibility. Identifiers: Orphanet 423, MedGen C2930980, MONDO:0007783, OMIM 145600.
RYR1-related disorder. Also called: RYR1-related disorders; RYR1-related condition. Identifiers: MedGen CN239331.

Allele frequency attached by ClinVar (database versions not stated): TOPMed below 0.00001; gnomAD 0.00001; gnomAD exomes 0.00002.
gnomAD v4.1: 23 of 1,591,494 alleles (0.0014%); highest among the groups gnomAD compares: Non-Finnish European, 0.0019%; no homozygotes.

Submissions (3):

Blueprint Genetics
Classification: Likely benign. Last evaluated: 2023-11-30. Review status: criteria provided, single submitter. Criteria: ACMG Guidelines, 2015. Collection method: clinical testing. Allele origin: germline.

All of Us Research Program, National Institutes of Health
Classification: Likely benign for Malignant hyperthermia, susceptibility to, 1. Last evaluated: 2023-09-04. Review status: criteria provided, single submitter. Criteria: ACMG Guidelines, 2015. Collection method: clinical testing. Allele origin: germline. Inheritance: Autosomal dominant inheritance. Observed: 1 variant allele, 1 heterozygote.
Comment: This study involves interpretation of variants in research participants for the purpose of population health screening. Participant phenotype was not available at the time of variant classification. Additional details can be found in publication PMID: 35346344, PMCID: PMC8962531

Labcorp Genetics (formerly Invitae), Labcorp
Classification: Likely benign for RYR1-related disorder. Last evaluated: 2023-03-22. Review status: criteria provided, single submitter. Criteria: Invitae Variant Classification Sherloc (09022015). Collection method: clinical testing. Allele origin: germline.